The following is an entry in ClinVar:

NM_021999.5(ITM2B):c.494A>G (p.Tyr165Cys)

Gene: ITM2B (integral membrane protein 2B; plus strand). Cytogenetic location: 13q14.2.
Variant type: single nucleotide variant.
Coding change: c.494A>G on transcript NM_021999.5 (MANE Select); coding-DNA position 494, A replaced by G.
Protein change: p.Tyr165Cys; replaces tyrosine 165 with cysteine.
Molecular consequence: missense variant.
Genome position (GRCh38, 1-based): chr13:48,258,166, A>G. VCF-style: chr13-48258166-A-G. GRCh37 (hg19) VCF-style: chr13-48832302-A-G.
Other names: short protein forms Y165C.
Identifiers: ClinVar variation 3627869 (VCV003627869.2).

ClinVar aggregate classification (germline): Uncertain significance (1 of 4 stars; one submission).

gnomAD v4.1: 6 of 1,605,182 alleles (0.00037%); highest among the groups gnomAD compares: South Asian, 0.0011%; no homozygotes.

Submission:

Labcorp Genetics (formerly Invitae), Labcorp
Classification: Uncertain significance. Last evaluated: 2024-11-07. Review status: criteria provided, single submitter. Criteria: Invitae Variant Classification Sherloc (09022015). Collection method: clinical testing. Allele origin: germline.
Comment: This sequence change replaces tyrosine, which is neutral and polar, with cysteine, which is neutral and slightly polar, at codon 165 of the ITM2B protein (p.Tyr165Cys). This variant is not present in population databases (gnomAD no frequency). This variant has not been reported in the literature in individuals affected with ITM2B-related conditions. Invitae Evidence Modeling of protein sequence and biophysical properties (such as structural, functional, and spatial information, amino acid conservation, physicochemical variation, residue mobility, and thermodynamic stability) indicates that this missense variant is expected to disrupt ITM2B protein function with a positive predictive value of 80%. In summary, the available evidence is currently insufficient to determine the role of this variant in disease. Therefore, it has been classified as a Variant of Uncertain Significance.